The following is an entry in ClinVar:

NM_000091.5(COL4A3):c.1841G>A (p.Gly614Glu)

Genes: MFF-DT (MFF divergent transcript; minus strand), COL4A3 (collagen type IV alpha 3 chain; plus strand). Cytogenetic location: 2q36.3.
Variant type: single nucleotide variant.
Coding change: c.1841G>A on transcript NM_000091.5 (MANE Select); coding-DNA position 1841, G replaced by A.
Protein change: p.Gly614Glu; replaces glycine 614 with glutamic acid.
Molecular consequence: missense variant.
Genome position (GRCh38, 1-based): chr2:227,273,031, G>A. VCF-style: chr2-227273031-G-A. GRCh37 (hg19) VCF-style: chr2-228137747-G-A.
Other names: short protein forms G614E.
Identifiers: ClinVar variation 3342275 (VCV003342275.1).

ClinVar aggregate classification (germline): Likely pathogenic (1 of 4 stars; one submission).

Conditions:
Autosomal dominant Alport syndrome (ATS3A). Also called: ALPORT SYNDROME 3A, AUTOSOMAL DOMINANT; Alport syndrome dominant type; Renal failure and sensorineural hearing loss. Identifiers: Orphanet 63, Orphanet 88918, MedGen C5882663, MONDO:0007086, OMIM 104200.

Submission:

MVZ Medizinische Genetik Mainz
Classification: Likely pathogenic for Autosomal dominant Alport syndrome. Last evaluated: 2024-09-04. Review status: criteria provided, single submitter. Criteria: UK Practice Guidelines For Variant Classification V4 01 2020. Collection method: clinical testing. Allele origin: germline. Inheritance: Autosomal dominant inheritance. Affected: yes. Observed: 1 variant allele.
Comment: ACMG Criteria: PM1_STR,PM2_SUP,PP3